The following is an entry in ClinVar:

ClinVar aggregate classification (germline): Uncertain significance (1 of 4 stars; one submission).

Allele frequency attached by ClinVar (database versions not stated): gnomAD exomes below 0.00001 and 0.00001; gnomAD 0.00001.
gnomAD v4.1: 8 of 1,614,114 alleles (0.0005%); highest among the groups gnomAD compares: Admixed American, 0.0067%; no homozygotes.

Submission:

Labcorp Genetics (formerly Invitae), Labcorp
Classification: Uncertain significance. Last evaluated: 2023-09-13. Review status: criteria provided, single submitter. Criteria: Invitae Variant Classification Sherloc (09022015). Collection method: clinical testing. Allele origin: germline.
Comment: This sequence change replaces glutamic acid, which is acidic and polar, with aspartic acid, which is acidic and polar, at codon 434 of the TUBA8 protein (p.Glu434Asp). This variant is present in population databases (no rsID available, gnomAD 0.006%). In summary, the available evidence is currently insufficient to determine the role of this variant in disease. Therefore, it has been classified as a Variant of Uncertain Significance. Advanced modeling of protein sequence and biophysical properties (such as structural, functional, and spatial information, amino acid conservation, physicochemical variation, residue mobility, and thermodynamic stability) has been performed at Invitae for this missense variant, however the output from this modeling did not meet the statistical confidence thresholds required to predict the impact of this variant on TUBA8 protein function. ClinVar contains an entry for this variant (Variation ID: 1357813). This variant has not been reported in the literature in individuals affected with TUBA8-related conditions.

NM_018943.3(TUBA8):c.1302A>C (p.Glu434Asp)

Gene: TUBA8 (tubulin alpha 8; plus strand). Cytogenetic location: 22q11.21.
Variant type: single nucleotide variant.
Coding change: c.1302A>C on transcript NM_018943.3 (MANE Select); coding-DNA position 1302, A replaced by C.
Protein change: p.Glu434Asp; replaces glutamic acid 434 with aspartic acid.
Molecular consequence: missense variant.
Genome position (GRCh38, 1-based): chr22:18,131,088, A>C. VCF-style: chr22-18131088-A-C. GRCh37 (hg19) VCF-style: chr22-18613855-A-C.
Other names: c.1104A>C, p.Glu368Asp (NM_001193414.2); short protein forms E368D, E434D.
Identifiers: ClinVar variation 1357813 (VCV001357813.6), dbSNP rs1255100193, ClinGen allele CA410267679.